The following is an entry in ClinVar:

ClinVar aggregate classification (germline): Uncertain significance. Review status: reviewed by expert panel (3 of 4 stars). 7 submissions from 6 submitters: Uncertain significance (1). 6 of the submissions do not count toward it. Last evaluated 2026-08-20.

Conditions:
Leber congenital amaurosis (LCA). Also called: Leber's amaurosis. Identifiers: Orphanet 65, MedGen C0339527, MeSH D057130, MONDO:0018998.
RPE65-related recessive retinopathy. Also called: Recessive RPE65 retinopathy. Identifiers: MedGen CN305526, MONDO:0100368.
Leber congenital amaurosis 2 (LCA2). Also called: Autosomal Recessive RPE65-Related Retinal Degeneration; AMAUROSIS CONGENITA OF LEBER II. Identifiers: Orphanet 65, MedGen C1859844, MONDO:0008765, OMIM 204100. Disease mechanism: loss of function.
Retinitis pigmentosa 20 (RP20). Identifiers: Orphanet 791, MedGen C3151086, MONDO:0013425, OMIM 613794.
RPE65-related disorder. Also called: RPE65-related condition; RPE65-related disorders. Identifiers: MedGen CN239301.
Retinitis pigmentosa (RP). Identifiers: Orphanet 791, MedGen C0035334, MeSH D012174, MONDO:0019200, OMIM 268000. Inheritance: Autosomal dominant, autosomal recessive and X linked inheritance.

Allele frequency attached by ClinVar (database versions not stated): gnomAD 0.00001; TOPMed 0.00001; gnomAD exomes 0.00004; ExAC 0.00005.
gnomAD v4.1: 145 of 1,613,952 alleles (0.009%); highest among the groups gnomAD compares: Non-Finnish European, 0.012%; no homozygotes.

Submissions (7):

ClinGen Leber Congenital Amaurosis/early Onset Retinal Dystrophy Variant Curation Expert Panel, ClinGen
Classification: Uncertain significance for RPE65-related recessive retinopathy. Last evaluated: 2026-08-20. Review status: reviewed by expert panel. Criteria: ClinGen LCAeoRD ACMG Specifications RPE65 V1.0.0. Collection method: curation. Allele origin: germline. Inheritance: Autosomal recessive inheritance.
Comment: NM_000329.3(RPE65):c.975T>G is a missense variant causing substitution of isoleucine with methionine at position 325. This variant is present in gnomAD v.4.1.1 at a PopMax allele frequency of 0.00010, with 140 alleles / 1179966 total alleles in the European non-Finnish population, which is lower than the ClinGen LCA / eoRD VCEP PM2_Supporting threshold of <0.0002 (PM2_Supporting). The computational predictor REVEL gives a score of 0.46, which is below the ClinGen LCA / eoRD VCEP threshold of ≥0.644 and does not predict a damaging effect on RPE65 function. Additionally, the splicing impact predictor SpliceAI gives a score of 0.00, which is below the ClinGen LCA / eoRD VCEP recommended threshold of ≥0.2 and does not strongly predict an impact on splicing. This variant has not yet been reported in published cases or affected individuals in ClinVar. In summary, this variant meets the criteria to be classified as a variant of uncertain significance for RPE65-related recessive retinopathy based on the ACMG/AMP criteria applied, as specified by the ClinGen LCA / eoRD VCEP: PM2_Supporting. (VCEP specifications version 1.0.0).

PreventionGenetics, part of Exact Sciences
Classification: Uncertain significance for RPE65-related condition. Last evaluated: 2026-06-05. Review status: criteria provided, single submitter. Criteria: ACMG Guidelines, 2015. Collection method: clinical testing. Allele origin: germline. Not counted in ClinVar's aggregate classification.
Comment: The RPE65 c.975T>G variant is predicted to result in the amino acid substitution p.Ile325Met. To our knowledge, this variant has not been reported in the literature. This variant is reported in 0.0079% of alleles in individuals of European (Non-Finnish) descent in gnomAD. At this time, the clinical significance of this variant is uncertain due to the absence of conclusive functional and genetic evidence.

Labcorp Genetics (formerly Invitae), Labcorp
Classification: Uncertain significance for Leber congenital amaurosis 2; Retinitis pigmentosa 20. Last evaluated: 2025-11-15. Review status: criteria provided, single submitter. Criteria: Invitae Variant Classification Sherloc (09022015). Collection method: clinical testing. Allele origin: germline. Not counted in ClinVar's aggregate classification.
Comment: This sequence change replaces isoleucine, which is neutral and non-polar, with methionine, which is neutral and non-polar, at codon 325 of the RPE65 protein (p.Ile325Met). This variant is present in population databases (rs761227832, gnomAD 0.008%). This variant has not been reported in the literature in individuals affected with RPE65-related conditions. ClinVar contains an entry for this variant (Variation ID: 298021). Invitae Evidence Modeling of protein sequence and biophysical properties (such as structural, functional, and spatial information, amino acid conservation, physicochemical variation, residue mobility, and thermodynamic stability) indicates that this missense variant is not expected to disrupt RPE65 protein function with a negative predictive value of 80%. In summary, the available evidence is currently insufficient to determine the role of this variant in disease. Therefore, it has been classified as a Variant of Uncertain Significance.

Blueprint Genetics
Classification: Uncertain significance. Last evaluated: 2022-10-12. Review status: criteria provided, single submitter. Criteria: ACMG Guidelines, 2015. Collection method: clinical testing. Allele origin: germline. Not counted in ClinVar's aggregate classification.

Illumina Laboratory Services, Illumina
Classification: Uncertain significance for Leber congenital amaurosis 2. Last evaluated: 2018-01-13. Review status: criteria provided, single submitter. Criteria: ICSL Variant Classification Criteria 13 December 2019. Collection method: clinical testing. Allele origin: germline. Not counted in ClinVar's aggregate classification.

Illumina Laboratory Services, Illumina
Classification: Uncertain significance for Retinitis pigmentosa. Last evaluated: 2018-01-13. Review status: criteria provided, single submitter. Criteria: ICSL Variant Classification Criteria 13 December 2019. Collection method: clinical testing. Allele origin: germline. Not counted in ClinVar's aggregate classification.

Natera, Inc.
Classification: Uncertain significance for Leber congenital amaurosis. Last evaluated: 2019-11-11. Review status: no assertion criteria provided. Collection method: clinical testing. Allele origin: germline. Not counted in ClinVar's aggregate classification.

NM_000329.3(RPE65):c.975T>G (p.Ile325Met)

Gene: RPE65 (retinoid isomerohydrolase RPE65; minus strand). Cytogenetic location: 1p31.3.
Variant type: single nucleotide variant.
Coding change: c.975T>G on transcript NM_000329.3 (MANE Select); coding-DNA position 975, T replaced by G.
Protein change: p.Ile325Met; replaces isoleucine 325 with methionine.
Molecular consequence: missense variant.
Genome position (GRCh38, 1-based): chr1:68,438,965, A>C on the plus strand (T>G on the coding strand, the complement: RPE65 is on the minus strand). VCF-style: chr1-68438965-A-C. GRCh37 (hg19) VCF-style: chr1-68904648-A-C.
Other names: NM_000329.3(RPE65):c.975T>G; p.Ile325Met; short protein forms I325M.
Identifiers: ClinVar variation 298021 (VCV000298021.13), dbSNP rs761227832, ClinGen allele CA902337.
Genomic context (GRCh38, chr1:68,438,965, plus strand): 5'-ATGGGAGGTGTCCCATTTGTCCAGTGTCCTTTCTTACCCTTTCCAGCAGCAGAGATCCAC[A>C]ATCAGAAACCCATTGTCTTCATAGGTGTTGATGTGATGGAAGAGGTTGAAAGGAGAAGTT-3'
Protein context (NP_000320.1, residues 315-335): INTYEDNGFL[Ile325Met]VDLCCWKGFE